The following is an entry in ClinVar:

NM_021615.5(CHST6):c.391T>A (p.Ser131Thr)

Gene: CHST6 (carbohydrate sulfotransferase 6; minus strand). Cytogenetic location: 16q23.1.
Variant type: single nucleotide variant.
Coding change: c.391T>A on transcript NM_021615.5 (MANE Select); coding-DNA position 391, T replaced by A.
Protein change: p.Ser131Thr; replaces serine 131 with threonine.
Molecular consequence: missense variant.
Genome position (GRCh38, 1-based): chr16:75,479,438, A>T on the plus strand (T>A on the coding strand, the complement: CHST6 is on the minus strand). VCF-style: chr16-75479438-A-T. GRCh37 (hg19) VCF-style: chr16-75513336-A-T.
Other names: short protein forms S131T.
Identifiers: ClinVar variation 4687461 (VCV004687461.1).
Genomic context (GRCh38, chr16:75,479,438, plus strand): 5'-GCTTGCACACGGCCTCGCTGCTGATGGCGCCTCGGGGAAAGGCACTGCAGGCGGGTGGCG[A>T]GCACAGTGCACGGCTCACGGCCCACTGGAAGAGGTCGGACAGGTTGCGGCGCCAAGGCAG-3'
Protein context (NP_067628.1, residues 121-141): FQWAVSRALC[Ser131Thr]PPACSAFPRG

ClinVar aggregate classification (germline): Uncertain significance (1 of 4 stars; one submission).

Submission:

Women's Health and Genetics/Laboratory Corporation of America, LabCorp
Classification: Uncertain significance. Last evaluated: 2025-10-08. Review status: criteria provided, single submitter. Criteria: LabCorp Variant Classification Summary - May 2015. Collection method: clinical testing. Allele origin: germline.
Comment: Variant summary: CHST6 c.391T>A (p.Ser131Thr) results in a conservative amino acid change in the encoded protein sequence. Algorithms developed to predict the effect of missense changes on protein structure and function are either unavailable or do not agree on the potential impact of this missense change. The variant was absent in 248134 control chromosomes. The available data on variant occurrences in the general population are insufficient to allow any conclusion about variant significance. To our knowledge, no occurrence of c.391T>A in individuals affected with CHST6-related conditions and no experimental evidence demonstrating its impact on protein function have been reported. No submitters have cited clinical-significance assessments for this variant to ClinVar. Based on the evidence outlined above, the variant was classified as uncertain significance.